The following is an entry in ClinVar:

ClinVar aggregate classification (germline): Uncertain significance (1 of 4 stars; one submission).

Allele frequency attached by ClinVar (database versions not stated): gnomAD exomes below 0.00001 and 0.00001; ExAC 0.00001.
gnomAD v4.1: 5 of 1,613,178 alleles (0.00031%); highest among the groups gnomAD compares: Non-Finnish European, 0.00042%; no homozygotes.

Submission:

Labcorp Genetics (formerly Invitae), Labcorp
Classification: Uncertain significance. Last evaluated: 2024-04-25. Review status: criteria provided, single submitter. Criteria: Invitae Variant Classification Sherloc (09022015). Collection method: clinical testing. Allele origin: germline.
Comment: This sequence change replaces lysine, which is basic and polar, with glutamic acid, which is acidic and polar, at codon 542 of the TRAF3IP1 protein (p.Lys542Glu). This variant is present in population databases (rs746718215, gnomAD 0.0009%). This variant has not been reported in the literature in individuals affected with TRAF3IP1-related conditions. ClinVar contains an entry for this variant (Variation ID: 962656). Advanced modeling of protein sequence and biophysical properties (such as structural, functional, and spatial information, amino acid conservation, physicochemical variation, residue mobility, and thermodynamic stability) performed at Invitae indicates that this missense variant is expected to disrupt TRAF3IP1 protein function with a positive predictive value of 80%. In summary, the available evidence is currently insufficient to determine the role of this variant in disease. Therefore, it has been classified as a Variant of Uncertain Significance.

NM_015650.4(TRAF3IP1):c.1624A>G (p.Lys542Glu)

Gene: TRAF3IP1 (TRAF3 interacting protein 1; plus strand). Cytogenetic location: 2q37.3.
Variant type: single nucleotide variant.
Coding change: c.1624A>G on transcript NM_015650.4 (MANE Select); coding-DNA position 1624, A replaced by G.
Protein change: p.Lys542Glu; replaces lysine 542 with glutamic acid.
Molecular consequence: missense variant.
Genome position (GRCh38, 1-based): chr2:238,356,015, A>G. VCF-style: chr2-238356015-A-G. GRCh37 (hg19) VCF-style: chr2-239264656-A-G.
Other names: c.1426A>G, p.Lys476Glu (NM_001139490.1); short protein forms K542E, K476E.
Identifiers: ClinVar variation 962656 (VCV000962656.9), dbSNP rs746718215, ClinGen allele CA2198524.
Genomic context (GRCh38, chr2:238,356,015, plus strand): 5'-TTGGGATAGAGAATAAACTTTTAACATAAAATCACTGATTTTTCAACAGGTGGACTTGTG[A>G]AAAAAATTTTGGAGACGAAGAAAGATTATGAGAAATTGCAGCAGTCACCCAAACCTGGGG-3'
Protein context (NP_056465.2, residues 532-552): EEEEKHGGLV[Lys542Glu]KILETKKDYE